The following is an entry in ClinVar:

NM_001184880.2(PCDH19):c.1581G>C (p.Lys527Asn)

Gene: PCDH19 (protocadherin 19; minus strand). Cytogenetic location: Xq22.1.
Variant type: single nucleotide variant.
Coding change: c.1581G>C on transcript NM_001184880.2 (MANE Select); coding-DNA position 1581, G replaced by C.
Protein change: p.Lys527Asn; replaces lysine 527 with asparagine.
Molecular consequence: missense variant.
Genome position (GRCh38, 1-based): chrX:100,407,017, C>G on the plus strand (G>C on the coding strand, the complement: PCDH19 is on the minus strand). VCF-style: chrX-100407017-C-G. GRCh37 (hg19) VCF-style: chrX-99662015-C-G.
Other names: c.1581G>C, p.Lys527Asn (NM_001105243.2, NM_020766.3); short protein forms K527N.
Identifiers: ClinVar variation 2747094 (VCV002747094.3), dbSNP rs1204267809, ClinGen allele CA414002411.

ClinVar aggregate classification (germline): Uncertain significance (1 of 4 stars; one submission).

Conditions:
Developmental and epileptic encephalopathy, 9 (DEE9). Also called: Early infantile epileptic encephalopathy 9; JUBERG-HELLMAN SYNDROME; EPILEPSY, FEMALE-RESTRICTED, WITH MENTAL RETARDATION; PCDH19-Related X-Linked Female-Limited Epilepsy with Mental Retardation. Identifiers: Orphanet 101039, Orphanet 2076, MedGen C1848137, MONDO:0010246, OMIM 300088. Disease mechanism: loss of function.

Allele frequency attached by ClinVar (database versions not stated): gnomAD exomes 0.00003.
gnomAD v4.1: 28 of 1,211,832 alleles (0.0023%); highest among the groups gnomAD compares: Non-Finnish European, 0.0031%; no homozygotes.

Submission:

Labcorp Genetics (formerly Invitae), Labcorp
Classification: Uncertain significance for Developmental and epileptic encephalopathy, 9. Last evaluated: 2024-05-06. Review status: criteria provided, single submitter. Criteria: Invitae Variant Classification Sherloc (09022015). Collection method: clinical testing. Allele origin: germline.
Comment: This sequence change replaces lysine, which is basic and polar, with asparagine, which is neutral and polar, at codon 527 of the PCDH19 protein (p.Lys527Asn). This variant is present in population databases (no rsID available, gnomAD 0.002%). This variant has not been reported in the literature in individuals affected with PCDH19-related conditions. Advanced modeling of protein sequence and biophysical properties (such as structural, functional, and spatial information, amino acid conservation, physicochemical variation, residue mobility, and thermodynamic stability) performed at Invitae indicates that this missense variant is not expected to disrupt PCDH19 protein function with a negative predictive value of 95%. In summary, the available evidence is currently insufficient to determine the role of this variant in disease. Therefore, it has been classified as a Variant of Uncertain Significance.